The following is an entry in ClinVar:

ClinVar aggregate classification (germline): Uncertain significance (1 of 4 stars; one submission).

Conditions:
Inborn genetic diseases. Identifiers: MedGen C0950123, MeSH D030342.

Submission:

Ambry Genetics
Classification: Uncertain significance for Inborn genetic diseases. Last evaluated: 2024-09-20. Review status: criteria provided, single submitter. Criteria: Ambry Variant Classification Scheme 2023. Collection method: clinical testing. Allele origin: germline.
Comment: The p.Q1590R variant (also known as c.4769A>G), located in coding exon 27 of the ATR gene, results from an A to G substitution at nucleotide position 4769. The glutamine at codon 1590 is replaced by arginine, an amino acid with highly similar properties. This amino acid position is conserved. In addition, this alteration is predicted to be tolerated by in silico analysis. Based on the available evidence, the clinical significance of this variant remains unclear.

NM_001184.4(ATR):c.4769A>G (p.Gln1590Arg)

Gene: ATR (ATR serine/threonine kinase; minus strand). Cytogenetic location: 3q23.
Variant type: single nucleotide variant.
Coding change: c.4769A>G on transcript NM_001184.4 (MANE Select); coding-DNA position 4769, A replaced by G.
Protein change: p.Gln1590Arg; replaces glutamine 1590 with arginine.
Molecular consequence: missense variant.
Genome position (GRCh38, 1-based): chr3:142,512,343, T>C on the plus strand (A>G on the coding strand, the complement: ATR is on the minus strand). VCF-style: chr3-142512343-T-C. GRCh37 (hg19) VCF-style: chr3-142231185-T-C.
Other names: c.4577A>G, p.Gln1526Arg (NM_001354579.2); short protein forms Q1526R, Q1590R.
Identifiers: ClinVar variation 3462717 (VCV003462717.1).